The following is an entry in ClinVar:

ClinVar aggregate classification (germline): Uncertain significance (1 of 4 stars; one submission).

Conditions:
Susceptibility to respiratory infections associated with CD8alpha chain mutation (IMD116). Also called: Cd8 deficiency, familial; IMMUNODEFICIENCY 116. Identifiers: Orphanet 169085, MedGen C1837065, MONDO:0012161, OMIM 608957.

Submission:

Labcorp Genetics (formerly Invitae), Labcorp
Classification: Uncertain significance for Susceptibility to respiratory infections associated with CD8alpha chain mutation. Last evaluated: 2022-09-13. Review status: criteria provided, single submitter. Criteria: Invitae Variant Classification Sherloc (09022015). Collection method: clinical testing. Allele origin: germline.
Comment: Algorithms developed to predict the effect of missense changes on protein structure and function are either unavailable or do not agree on the potential impact of this missense change (SIFT: "Deleterious"; PolyPhen-2: "Possibly Damaging"; Align-GVGD: "Class C0"). ClinVar contains an entry for this variant (Variation ID: 846392). This variant has not been reported in the literature in individuals affected with CD8A-related conditions. This variant is not present in population databases (gnomAD no frequency). This sequence change replaces leucine, which is neutral and non-polar, with glutamine, which is neutral and polar, at codon 35 of the CD8A protein (p.Leu35Gln). Algorithms developed to predict the effect of sequence changes on RNA splicing suggest that this variant may create or strengthen a splice site. In summary, the available evidence is currently insufficient to determine the role of this variant in disease. Therefore, it has been classified as a Variant of Uncertain Significance.

NM_001768.7(CD8A):c.104T>A (p.Leu35Gln)

Gene: CD8A (CD8 subunit alpha; minus strand). Cytogenetic location: 2p11.2.
Variant type: single nucleotide variant.
Coding change: c.104T>A on transcript NM_001768.7 (MANE Select); coding-DNA position 104, T replaced by A.
Protein change: p.Leu35Gln; replaces leucine 35 with glutamine.
Molecular consequence: missense variant. On other transcripts: non-coding transcript variant (3).
Genome position (GRCh38, 1-based): chr2:86,790,627, A>T on the plus strand (T>A on the coding strand, the complement: CD8A is on the minus strand). VCF-style: chr2-86790627-A-T. GRCh37 (hg19) VCF-style: chr2-87017750-A-T.
Other names: c.104T>A, p.Leu35Gln (NM_001145873.1, NM_001382698.1, NM_171827.4); short protein forms L35Q.
Identifiers: ClinVar variation 846392 (VCV000846392.10), dbSNP rs1673249799, ClinGen allele CA347577311.